The following is an entry in ClinVar:

NM_183050.4(BCKDHB):c.1162A>G (p.Lys388Glu)

Gene: BCKDHB (branched chain keto acid dehydrogenase E1 subunit beta; plus strand). Cytogenetic location: 6q14.1.
Variant type: single nucleotide variant.
Coding change: c.1162A>G on transcript NM_183050.4 (MANE Select); coding-DNA position 1162, A replaced by G.
Protein change: p.Lys388Glu; replaces lysine 388 with glutamic acid.
Molecular consequence: missense variant. On other transcripts: non-coding transcript variant (1).
Genome position (GRCh38, 1-based): chr6:80,343,787, A>G. VCF-style: chr6-80343787-A-G. GRCh37 (hg19) VCF-style: chr6-81053504-A-G.
Other names: c.1162A>G, p.Lys388Glu (NM_000056.5); c.952A>G, p.Lys318Glu (NM_001318975.1); c.1162A>G (NM_183050.2); short protein forms K388E, K318E.
Identifiers: ClinVar variation 1920771 (VCV001920771.3), dbSNP rs1338173021, ClinGen allele CA365021623.

ClinVar aggregate classification (germline): Uncertain significance. Review status: criteria provided, multiple submitters, no conflicts (2 of 4 stars). 2 submissions from 2 submitters: Uncertain significance (2). Last evaluated 2025-04-19.

Conditions:
Inborn genetic diseases. Identifiers: MedGen C0950123, MeSH D030342.
Maple syrup urine disease (MSUD). Identifiers: Orphanet 511, MedGen C0024776, MeSH D008375, MONDO:0009563. Disease mechanism: loss of function.

Allele frequency attached by ClinVar (database versions not stated): gnomAD exomes 0.00001.
gnomAD v4.1: 19 of 1,613,960 alleles (0.0012%); highest among the groups gnomAD compares: Non-Finnish European, 0.0015%; no homozygotes.

Submissions (2):

Ambry Genetics
Classification: Uncertain significance for Inborn genetic diseases. Last evaluated: 2025-04-19. Review status: criteria provided, single submitter. Criteria: Ambry Variant Classification Scheme 2023. Collection method: clinical testing. Allele origin: germline.

Labcorp Genetics (formerly Invitae), Labcorp
Classification: Uncertain significance for Maple syrup urine disease. Last evaluated: 2022-06-27. Review status: criteria provided, single submitter. Criteria: Invitae Variant Classification Sherloc (09022015). Collection method: clinical testing. Allele origin: germline.
Comment: This sequence change replaces lysine, which is basic and polar, with glutamic acid, which is acidic and polar, at codon 388 of the BCKDHB protein (p.Lys388Glu). This variant is present in population databases (no rsID available, gnomAD 0.002%). This variant has not been reported in the literature in individuals affected with BCKDHB-related conditions. Algorithms developed to predict the effect of missense changes on protein structure and function (SIFT, PolyPhen-2, Align-GVGD) all suggest that this variant is likely to be tolerated. Algorithms developed to predict the effect of sequence changes on RNA splicing suggest that this variant may create or strengthen a splice site. In summary, the available evidence is currently insufficient to determine the role of this variant in disease. Therefore, it has been classified as a Variant of Uncertain Significance.